The following is an entry in ClinVar:

ClinVar aggregate classification (germline): Uncertain significance (1 of 4 stars; one submission).

Conditions:
Malignant hyperthermia, susceptibility to, 1 (MHS1). Also called: RYR1-Related Malignant Hyperthermia Susceptibility; Malignant hyperthermia suceptibility 1; Anesthesia related hyperthermia; Malignant hyperpyrexia; Fulminating hyperpyrexia; Pharmacogenic myopathy. Identifiers: Orphanet 423, MedGen C2930980, MONDO:0007783, OMIM 145600.

Submission:

Color Diagnostics, LLC DBA Color Health
Classification: Uncertain significance for Malignant hyperthermia, susceptibility to, 1. Last evaluated: 2025-07-25. Review status: criteria provided, single submitter. Criteria: ACMG Guidelines, 2015. Collection method: clinical testing. Allele origin: germline.
Comment: This missense variant replaces alanine with serine at codon 2450 of the RYR1 protein. Computational prediction is inconclusive regarding the impact of this variant on protein structure and function. To our knowledge, functional studies have not been reported for this variant. This variant has not been reported in individuals affected with RYR1-related disorders in the literature. This variant has not been identified in the general population by the Genome Aggregation Database (gnomAD). The available evidence is insufficient to determine the role of this variant in disease conclusively. Therefore, this variant is classified as a Variant of Uncertain Significance.

NM_000540.3(RYR1):c.7348G>T (p.Ala2450Ser)

Gene: RYR1 (ryanodine receptor 1; plus strand). Cytogenetic location: 19q13.2.
Variant type: single nucleotide variant.
Coding change: c.7348G>T on transcript NM_000540.3 (MANE Select); coding-DNA position 7348, G replaced by T.
Protein change: p.Ala2450Ser; replaces alanine 2450 with serine.
Molecular consequence: missense variant.
Genome position (GRCh38, 1-based): chr19:38,500,630, G>T. VCF-style: chr19-38500630-G-T. GRCh37 (hg19) VCF-style: chr19-38991270-G-T.
Other names: c.7348G>T, p.Ala2450Ser (NM_001042723.2); short protein forms A2450S.
Identifiers: ClinVar variation 4759115 (VCV004759115.1).
Genomic context (GRCh38, chr19:38,500,630, plus strand): 5'-CTGATGAGTGCCCCTCTCCCTCCCTCTACTCCCCAGCTAATCCAAGCCGGCAAGGGTGAG[G>T]CCCTGCGGATCCGCGCCATCCTCCGCTCCCTTGTGCCCTTGGAGGACCTTGTGGGCATCA-3'
Protein context (NP_000531.2, residues 2440-2460): MHLIQAGKGE[Ala2450Ser]LRIRAILRSL